The following is an entry in ClinVar:

ClinVar aggregate classification (germline): Uncertain significance (1 of 4 stars; one submission).

Submission:

Labcorp Genetics (formerly Invitae), Labcorp
Classification: Uncertain significance. Last evaluated: 2025-12-31. Review status: criteria provided, single submitter. Criteria: Invitae Variant Classification Sherloc (09022015). Collection method: clinical testing. Allele origin: germline.
Comment: This sequence change replaces glycine, which is neutral and non-polar, with arginine, which is basic and polar, at codon 103 of the THBD protein (p.Gly103Arg). This variant is not present in population databases (gnomAD no frequency). This variant has not been reported in the literature in individuals affected with THBD-related conditions. Invitae Evidence Modeling of protein sequence and biophysical properties (such as structural, functional, and spatial information, amino acid conservation, physicochemical variation, residue mobility, and thermodynamic stability) indicates that this missense variant is not expected to disrupt THBD protein function with a negative predictive value of 80%. In summary, the available evidence is currently insufficient to determine the role of this variant in disease. Therefore, it has been classified as a Variant of Uncertain Significance.

NM_000361.3(THBD):c.307G>A (p.Gly103Arg)

Gene: THBD (thrombomodulin; minus strand). Cytogenetic location: 20p11.21.
Variant type: single nucleotide variant.
Coding change: c.307G>A on transcript NM_000361.3 (MANE Select); coding-DNA position 307, G replaced by A.
Protein change: p.Gly103Arg; replaces glycine 103 with arginine.
Molecular consequence: missense variant.
Genome position (GRCh38, 1-based): chr20:23,049,198, C>T on the plus strand (G>A on the coding strand, the complement: THBD is on the minus strand). VCF-style: chr20-23049198-C-T. GRCh37 (hg19) VCF-style: chr20-23029835-C-T.
Other names: short protein forms G103R.
Identifiers: ClinVar variation 4809768 (VCV004809768.1).